The following is an entry in ClinVar:

ClinVar aggregate classification (germline): Benign/Likely benign. Review status: criteria provided, multiple submitters, no conflicts (2 of 4 stars). 6 submissions from 6 submitters: Benign (3); Likely benign (2). 1 of the submissions does not count toward it. Last evaluated 2025-08-11.

Conditions:
HNF1A-related disorder. Also called: HNF1A-related condition.
Maturity-onset diabetes of the young (MODY). Also called: Maturity onset diabetes mellitus in young. Identifiers: Orphanet 552, MedGen C0342276, MONDO:0018911, HP:0004904.

Allele frequency attached by ClinVar (database versions not stated): ESP Exome Variant Server 0.00015; TOPMed 0.00072; gnomAD 0.00086.
gnomAD v4.1: 254 of 1,610,746 alleles (0.016%); highest among the groups gnomAD compares: African/African-American, 0.24%; 1 homozygote.

Submissions (6):

Labcorp Genetics (formerly Invitae), Labcorp
Classification: Benign. Last evaluated: 2025-08-11. Review status: criteria provided, single submitter. Criteria: Invitae Variant Classification Sherloc (09022015). Collection method: clinical testing. Allele origin: germline.

Blueprint Genetics
Classification: Likely benign. Last evaluated: 2024-11-13. Review status: criteria provided, single submitter. Criteria: ACMG Guidelines, 2015. Collection method: clinical testing. Allele origin: germline.

Ambry Genetics
Classification: Likely benign for Maturity-onset diabetes of the young. Last evaluated: 2022-03-30. Review status: criteria provided, single submitter. Criteria: Ambry Variant Classification Scheme 2023. Collection method: clinical testing. Allele origin: germline.

GeneDx
Classification: Benign. Last evaluated: 2021-11-09. Review status: criteria provided, single submitter. Criteria: GeneDx Variant Classification Process June 2021. Collection method: clinical testing. Allele origin: germline. Affected: yes.

Clinical Genomics, Uppaluri K&H Personalized Medicine Clinic
Classification: Benign for Maturity-onset diabetes of the young. Review status: criteria provided, single submitter. Criteria: K & H Uppaluri Personalized Medicine Clinic Variant Classification & Assertion Criteria_Updated V.1. Collection method: research. Allele origin: unknown. Inheritance: Autosomal dominant inheritance.
Comment: Mutations in HNF1A gene can predispose to MODY3. It is associated with both micro and macrovascular complications of diabetes, especially cardiovascular complications. Associated with glucosuria. May respond well to sulfonylureas. However, more evidence is required to confer the association of this particular variant rs150195625 with MODY3.

PreventionGenetics, part of Exact Sciences
Classification: Likely benign for HNF1A-related condition. Last evaluated: 2020-08-10. Review status: no assertion criteria provided. Collection method: clinical testing. Allele origin: germline. Not counted in ClinVar's aggregate classification.
Comment: This variant is classified as likely benign based on ACMG/AMP sequence variant interpretation guidelines (Richards et al. 2015 PMID: 25741868, with internal and published modifications).

Literature cited by the submitters: PubMed 31517624 (cited by Clinical Genomics, Uppaluri K&H Personalized Medicine Clinic); PubMed 32395877 (cited by Clinical Genomics, Uppaluri K&H Personalized Medicine Clinic); PubMed 35328643 (cited by Clinical Genomics, Uppaluri K&H Personalized Medicine Clinic); PubMed 35673428 (cited by Clinical Genomics, Uppaluri K&H Personalized Medicine Clinic).

NM_000545.8(HNF1A):c.156C>T (p.Gly52=)

Gene: HNF1A (HNF1 homeobox A; plus strand). Cytogenetic location: 12q24.31.
Variant type: single nucleotide variant.
Coding change: c.156C>T on transcript NM_000545.8 (MANE Select); coding-DNA position 156, C replaced by T.
Protein change: p.Gly52=; no amino-acid change (glycine 52 retained).
Molecular consequence: synonymous variant.
Genome position (GRCh38, 1-based): chr12:120,978,924, C>T. VCF-style: chr12-120978924-C-T. GRCh37 (hg19) VCF-style: chr12-121416727-C-T.
Other names: c.156C>T, p.Gly52= (NM_001306179.2); c.156C>T (NM_000545.6).
Identifiers: ClinVar variation 696411 (VCV000696411.13), dbSNP rs150195625, ClinGen allele CA6831678.